The following is an entry in ClinVar:

NM_000375.3(UROS):c.693_749del (p.Ala234_Ala252del)

Gene: UROS (uroporphyrinogen III synthase; minus strand). Cytogenetic location: 10q26.2.
Variant type: Deletion.
Coding change: c.693_749del on transcript NM_000375.3 (MANE Select); coding-DNA positions 693 to 749, 57 bases deleted.
Protein change: p.Ala234_Ala252del.
Molecular consequence: inframe deletion. On other transcripts: non-coding transcript variant (3).
Genome position (GRCh38, 1-based): chr10:125,788,917-125,788,973, 57 bases deleted. GRCh37 (hg19): chr10:127,477,488-127,477,544.
Other names: c.774_830del, p.Ala261_Ala279del (NM_001324036.2); c.693_749del, p.Ala234_Ala252del (NM_001324037.2); c.612_668del, p.Ala207_Ala225del (NM_001324038.2).
Identifiers: ClinVar variation 1002289 (VCV001002289.8), dbSNP rs1850723875, ClinGen allele CA1943001225.

ClinVar aggregate classification (germline): Pathogenic (1 of 4 stars; one submission).

Submission:

Labcorp Genetics (formerly Invitae), Labcorp
Classification: Pathogenic. Last evaluated: 2023-07-17. Review status: criteria provided, single submitter. Criteria: Invitae Variant Classification Sherloc (09022015). Collection method: clinical testing. Allele origin: germline.
Comment: For these reasons, this variant has been classified as Pathogenic. This variant disrupts a region of the UROS protein in which other variant(s) (p.Leu237Pro) have been determined to be pathogenic (PMID: 17298225, 19099412, 22350154, 22816431). This suggests that this is a clinically significant region of the protein, and that variants that disrupt it are likely to be disease-causing. ClinVar contains an entry for this variant (Variation ID: 1002289). This variant has been observed in individual(s) with congenital erythropoietic porphyria (Invitae). In at least one individual the data is consistent with being in trans (on the opposite chromosome) from a pathogenic variant. This variant is not present in population databases (gnomAD no frequency). This variant, c.693_749del, results in the deletion of 19 amino acid(s) of the UROS protein (p.Ala234_Ala252del), but otherwise preserves the integrity of the reading frame.

Literature cited by the submitters: PubMed 17298225; PubMed 19099412; PubMed 22350154; PubMed 22816431.